The following is an entry in ClinVar:

NM_000276.4(OCRL):c.1220C>G (p.Pro407Arg)

Gene: OCRL (OCRL inositol polyphosphate-5-phosphatase; plus strand). Cytogenetic location: Xq26.1.
Variant type: single nucleotide variant.
Coding change: c.1220C>G on transcript NM_000276.4 (MANE Select); coding-DNA position 1220, C replaced by G.
Protein change: p.Pro407Arg; replaces proline 407 with arginine.
Molecular consequence: missense variant.
Genome position (GRCh38, 1-based): chrX:129,562,762, C>G. VCF-style: chrX-129562762-C-G. GRCh37 (hg19) VCF-style: chrX-128696739-C-G.
Other names: c.1223C>G, p.Pro408Arg (NM_001318784.2); c.1220C>G, p.Pro407Arg (NM_001587.4); short protein forms P407R, P408R.
Identifiers: ClinVar variation 2766709 (VCV002766709.3), dbSNP rs377566496, ClinGen allele CA10512139.

ClinVar aggregate classification (germline): Uncertain significance (1 of 4 stars; one submission).

Conditions:
Lowe syndrome (OCRL). Also called: LOWE OCULOCEREBRORENAL SYNDROME; PHOSPHATIDYLINOSITOL 4,5-BISPHOSPHATE 5-PHOSPHATASE DEFICIENCY; Oculocerebrorenal Syndrome. Identifiers: Orphanet 534, MedGen C0028860, MONDO:0010645, OMIM 309000.

Allele frequency attached by ClinVar (database versions not stated): ESP Exome Variant Server 0.00009.

Submission:

Labcorp Genetics (formerly Invitae), Labcorp
Classification: Uncertain significance for Lowe syndrome. Last evaluated: 2023-10-07. Review status: criteria provided, single submitter. Criteria: Invitae Variant Classification Sherloc (09022015). Collection method: clinical testing. Allele origin: germline.
Comment: This sequence change replaces proline, which is neutral and non-polar, with arginine, which is basic and polar, at codon 407 of the OCRL protein (p.Pro407Arg). This variant is present in population databases (rs377566496, gnomAD 0.001%). This variant has not been reported in the literature in individuals affected with OCRL-related conditions. Advanced modeling of protein sequence and biophysical properties (such as structural, functional, and spatial information, amino acid conservation, physicochemical variation, residue mobility, and thermodynamic stability) has been performed at Invitae for this missense variant, however the output from this modeling did not meet the statistical confidence thresholds required to predict the impact of this variant on OCRL protein function. In summary, the available evidence is currently insufficient to determine the role of this variant in disease. Therefore, it has been classified as a Variant of Uncertain Significance.